The following is an entry in ClinVar:

NM_003978.5(PSTPIP1):c.374G>A (p.Arg125Gln)

Gene: PSTPIP1 (proline-serine-threonine phosphatase interacting protein 1; plus strand). Cytogenetic location: 15q24.3.
Variant type: single nucleotide variant.
Coding change: c.374G>A on transcript NM_003978.5 (MANE Select); coding-DNA position 374, G replaced by A.
Protein change: p.Arg125Gln; replaces arginine 125 with glutamine.
Molecular consequence: missense variant. On other transcripts: non-coding transcript variant (1).
Genome position (GRCh38, 1-based): chr15:77,027,871, G>A. VCF-style: chr15-77027871-G-A. GRCh37 (hg19) VCF-style: chr15-77320212-G-A.
Other names: c.374G>A, p.Arg125Gln (NM_001321135.2, NM_001411086.1); c.347G>A, p.Arg116Gln (NM_001321136.2); c.569G>A, p.Arg190Gln (NM_001321137.1); short protein forms R116Q, R190Q, R125Q.
Identifiers: ClinVar variation 1959129 (VCV001959129.5), dbSNP rs755806301, ClinGen allele CA7675803.
Genomic context (GRCh38, chr15:77,027,871, plus strand): 5'-GAGGCCGCGGCCCTCGGCTCAGAACCTCGTGTCCCCTGCAGTATGAGGCCGTCATGGACC[G>A]GGTCCAGAAGAGCAAGCTGTCGCTCTACAAGAAGGCCATGGAGGTGAGCGCCAGGGCCTG-3'
Protein context (NP_003969.2, residues 115-135): QRKKYEAVMD[Arg125Gln]VQKSKLSLYK

ClinVar aggregate classification (germline): Uncertain significance (1 of 4 stars; one submission).

Conditions:
Pyogenic arthritis-pyoderma gangrenosum-acne syndrome (PAPA). Also called: FAMILIAL RECURRENT ARTHRITIS; PAPA SYNDROME. Identifiers: Orphanet 69126, MedGen C1858361, MONDO:0011462, OMIM 604416.

Allele frequency attached by ClinVar (database versions not stated): gnomAD 0.00001; TOPMed 0.00001.
gnomAD v4.1: 9 of 1,569,446 alleles (0.00057%); highest among the groups gnomAD compares: Admixed American, 0.0056%; no homozygotes.

Submission:

Labcorp Genetics (formerly Invitae), Labcorp
Classification: Uncertain significance for Pyogenic arthritis-pyoderma gangrenosum-acne syndrome. Last evaluated: 2024-10-15. Review status: criteria provided, single submitter. Criteria: Invitae Variant Classification Sherloc (09022015). Collection method: clinical testing. Allele origin: germline.
Comment: This sequence change replaces arginine, which is basic and polar, with glutamine, which is neutral and polar, at codon 125 of the PSTPIP1 protein (p.Arg125Gln). The frequency data for this variant in the population databases is considered unreliable, as metrics indicate poor data quality at this position in the gnomAD database. This variant has not been reported in the literature in individuals affected with PSTPIP1-related conditions. ClinVar contains an entry for this variant (Variation ID: 1959129). Invitae Evidence Modeling of protein sequence and biophysical properties (such as structural, functional, and spatial information, amino acid conservation, physicochemical variation, residue mobility, and thermodynamic stability) indicates that this missense variant is not expected to disrupt PSTPIP1 protein function with a negative predictive value of 80%. In summary, the available evidence is currently insufficient to determine the role of this variant in disease. Therefore, it has been classified as a Variant of Uncertain Significance.